The following is an entry in ClinVar:

ClinVar aggregate classification (germline): Pathogenic/Likely pathogenic. Review status: criteria provided, multiple submitters, no conflicts (2 of 4 stars). 2 submissions from 2 submitters: Pathogenic (1); Likely pathogenic (1). Last evaluated 2019-07-01.

Conditions:
DICER1-related tumor predisposition. Also called: DICER1-related pleuropulmonary blastoma cancer predisposition syndrome; DICER1 syndrome. Identifiers: Orphanet 284343, MedGen C3839822, MONDO:0100216.

Submissions (2):

Foulkes Cancer Genetics LDI, Lady Davis Institute for Medical Research
Classification: Pathogenic for Pleuropulmonary blastoma. Last evaluated: 2019-07-01. Review status: criteria provided, single submitter. Criteria: ACMG Guidelines, 2015. Collection method: curation. Allele origin: germline. Affected: yes. Observed: 1 variant allele.
Comment: ACMG criteria met: PVS1, PM2, PP4

PreventionGenetics, part of Exact Sciences
Classification: Likely pathogenic. Last evaluated: 2016-03-31. Review status: criteria provided, single submitter. Criteria: ACMG Guidelines, 2015. Collection method: clinical testing. Allele origin: germline.

Literature cited by the submitters: PubMed 28960912 (cited by Foulkes Cancer Genetics LDI, Lady Davis Institute for Medical Research).

NM_177438.3(DICER1):c.4442G>A (p.Trp1481Ter)

Gene: DICER1 (dicer 1, ribonuclease III; minus strand). Cytogenetic location: 14q32.13.
Variant type: single nucleotide variant.
Coding change: c.4442G>A on transcript NM_177438.3 (MANE Select); coding-DNA position 4442, G replaced by A.
Protein change: p.Trp1481Ter; replaces tryptophan 1481 with a stop codon.
Molecular consequence: nonsense.
Genome position (GRCh38, 1-based): chr14:95,096,478, C>T on the plus strand (G>A on the coding strand, the complement: DICER1 is on the minus strand). VCF-style: chr14-95096478-C-T. GRCh37 (hg19) VCF-style: chr14-95562815-C-T.
Other names: c.4442G>A, p.Trp1481Ter (NM_001195573.1, NM_001271282.3, NM_001291628.2 and 1 more transcripts); short protein forms W1481*.
Identifiers: ClinVar variation 690451 (VCV000690451.5), dbSNP rs1595341418, ClinGen allele CA390868480.